The following is an entry in ClinVar:

NM_001083962.2(TCF4):c.1663G>T (p.Glu555Ter)

Gene: TCF4 (transcription factor 4; minus strand). Cytogenetic location: 18q21.2.
Variant type: single nucleotide variant.
Coding change: c.1663G>T on transcript NM_001083962.2 (MANE Select); coding-DNA position 1663, G replaced by T.
Protein change: p.Glu555Ter; replaces glutamic acid 555 with a stop codon.
Molecular consequence: nonsense.
Genome position (GRCh38, 1-based): chr18:55,229,063, C>A on the plus strand (G>T on the coding strand, the complement: TCF4 is on the minus strand). VCF-style: chr18-55229063-C-A. GRCh37 (hg19) VCF-style: chr18-52896294-C-A.
Other names: c.1648G>T, p.Glu550Ter (NM_001369574.1, NM_001369573.1); c.1591G>T, p.Glu531Ter (NM_001369575.1, NM_001243227.2, NM_001348217.1 and 1 more transcripts); c.1588G>T, p.Glu530Ter (NM_001369576.1, NM_001369577.1, NM_001369578.1 and 3 more transcripts); c.1579G>T, p.Glu527Ter (NM_001369582.1, NM_001369583.1, NM_001306207.1 and 1 more transcripts); c.1576G>T, p.Glu526Ter (NM_001369584.1, NM_001369585.1, NM_001348220.1); c.1594G>T, p.Glu532Ter (NM_001369586.1); c.1651G>T, p.Glu551Ter (NM_003199.3, NM_001369571.1, NM_001369572.1); c.1969G>T, p.Glu657Ter (NM_001243226.3); and 14 more; short protein forms E339*, E390*, E391*, E395*, E421*, E425*, E480*, E484*.
Identifiers: ClinVar variation 1338489 (VCV001338489.5), dbSNP rs1555711142, ClinGen allele CA402529231.

ClinVar aggregate classification (germline): Pathogenic/Likely pathogenic. Review status: criteria provided, multiple submitters, no conflicts (2 of 4 stars). 2 submissions from 2 submitters: Pathogenic (1); Likely pathogenic (1). Last evaluated 2023-11-09.

Conditions:
Pitt-Hopkins syndrome (PTHS). Also called: MENTAL RETARDATION, SYNDROMAL, WITH INTERMITTENT HYPERVENTILATION; ENCEPHALOPATHY, SEVERE EPILEPTIC, WITH AUTONOMIC DYSFUNCTION. Identifiers: Orphanet 2896, MedGen C1970431, MONDO:0012589, OMIM 610954.

Submissions (2):

Medical Genetics Center, Maternal and Child Health Hospital of Hubei Province
Classification: Likely pathogenic for Pitt-Hopkins syndrome. Last evaluated: 2023-11-09. Review status: criteria provided, single submitter. Criteria: ACMG Guidelines, 2015. Collection method: clinical testing. Allele origin: de novo. Affected: yes.
Comment: PVS1 + PM2_Supporting

Genetic Services Laboratory, University of Chicago
Classification: Pathogenic. Last evaluated: 2019-02-11. Review status: criteria provided, single submitter. Criteria: ACMG Guidelines, 2015. Collection method: clinical testing. Allele origin: germline. Affected: yes.
Comment: DNA sequence analysis of the TCF4 gene demonstrated a sequence change, c.1663G>T, which results in the creation of a premature stop codon at amino acid position 555, p.Glu555*. This pathogenic sequence change is predicted to result in an abnormal transcript, which may be degraded, or may lead to the production of a truncated TCF4 protein with potentially abnormal function. This sequence change does not appear to have been previously described in patients with TCF4-related disorders and has also not been described as a known benign sequence change in the TCF4 gene. This pathogenic sequence change is the most likely cause of this phenotype.